The following is an entry in ClinVar:

NM_015559.3(SETBP1):c.4513A>G (p.Ile1505Val)

Gene: SETBP1 (SET binding protein 1; plus strand). Cytogenetic location: 18q12.3.
Variant type: single nucleotide variant.
Coding change: c.4513A>G on transcript NM_015559.3 (MANE Select); coding-DNA position 4513, A replaced by G.
Protein change: p.Ile1505Val; replaces isoleucine 1505 with valine.
Molecular consequence: missense variant.
Genome position (GRCh38, 1-based): chr18:45,063,420, A>G. VCF-style: chr18-45063420-A-G. GRCh37 (hg19) VCF-style: chr18-42643385-A-G.
Other names: c.4513A>G, p.Ile1505Val (NM_001379141.1, NM_001379142.1); c.4342A>G, p.Ile1448Val (NM_001410862.1); short protein forms I1448V, I1505V.
Identifiers: ClinVar variation 3336323 (VCV003336323.1).

ClinVar aggregate classification (germline): Uncertain significance (1 of 4 stars; one submission).

Submission:

Women's Health and Genetics/Laboratory Corporation of America, LabCorp
Classification: Uncertain significance. Last evaluated: 2024-05-31. Review status: criteria provided, single submitter. Criteria: LabCorp Variant Classification Summary - May 2015. Collection method: clinical testing. Allele origin: germline.
Comment: Variant summary: SETBP1 c.4513A>G (p.Ile1505Val) results in a conservative amino acid change in the encoded protein sequence. Five of five in-silico tools predict a benign effect of the variant on protein function. The variant was absent in 122614 control chromosomes. The available data on variant occurrences in the general population are insufficient to allow any conclusion about variant significance. To our knowledge, no occurrence of c.4513A>G in individuals affected with SETBP1-Related Disorders and no experimental evidence demonstrating its impact on protein function have been reported. No submitters have cited clinical-significance assessments for this variant to ClinVar. Based on the evidence outlined above, the variant was classified as uncertain significance.